The following is an entry in ClinVar:

NM_000548.5(TSC2):c.4372C>T (p.Pro1458Ser)

Gene: TSC2 (TSC complex subunit 2; plus strand). Cytogenetic location: 16p13.3.
Variant type: single nucleotide variant.
Coding change: c.4372C>T on transcript NM_000548.5 (MANE Select); coding-DNA position 4372, C replaced by T.
Protein change: p.Pro1458Ser; replaces proline 1458 with serine.
Molecular consequence: missense variant.
Genome position (GRCh38, 1-based): chr16:2,084,594, C>T. VCF-style: chr16-2084594-C-T. GRCh37 (hg19) VCF-style: chr16-2134595-C-T.
Other names: c.4171C>T, p.Pro1391Ser (NM_001077183.3); c.4303C>T, p.Pro1435Ser (NM_001114382.3); c.4063C>T, p.Pro1355Ser (NM_001318827.2); c.4027C>T, p.Pro1343Ser (NM_001318829.2); c.3640C>T, p.Pro1214Ser (NM_001318831.2); c.4204C>T, p.Pro1402Ser (NM_001318832.2); c.4174C>T, p.Pro1392Ser (NM_001363528.2); c.4240C>T, p.Pro1414Ser (NM_001370404.1); and 1 more; short protein forms P1214S, P1343S, P1355S, P1391S, P1392S, P1402S, P1414S, P1415S.
Identifiers: ClinVar variation 1307306 (VCV001307306.3), dbSNP rs1189784704, ClinGen allele CA394301767.

ClinVar aggregate classification (germline): Uncertain significance. Review status: criteria provided, multiple submitters, no conflicts (2 of 4 stars). 2 submissions from 2 submitters: Uncertain significance (2). Last evaluated 2026-05-12.

Conditions:
Hereditary cancer-predisposing syndrome. Also called: Neoplastic Syndromes, Hereditary; Tumor predisposition; Hereditary Cancer Syndrome; Hereditary neoplastic syndrome. Identifiers: Orphanet 140162, MedGen C0027672, MeSH D009386, MONDO:0015356.

gnomAD v4.1: 1 of 1,604,676 alleles (0.000062%); highest among the groups gnomAD compares: Non-Finnish European, 0.000085%; no homozygotes.

Submissions (2):

Ambry Genetics
Classification: Uncertain significance for Hereditary cancer-predisposing syndrome. Last evaluated: 2026-05-12. Review status: criteria provided, single submitter. Criteria: Ambry Variant Classification Scheme 2023. Collection method: clinical testing. Allele origin: germline.
Comment: The p.P1458S variant (also known as c.4372C>T), located in coding exon 33 of the TSC2 gene, results from a C to T substitution at nucleotide position 4372. The proline at codon 1458 is replaced by serine, an amino acid with similar properties. This amino acid position is highly conserved in available vertebrate species. In addition, this alteration is predicted to be deleterious by in silico analysis. Based on the available evidence, the clinical significance of this variant remains unclear.

GeneDx
Classification: Uncertain significance. Last evaluated: 2019-07-31. Review status: criteria provided, single submitter. Criteria: GeneDx Variant Classification Process June 2021. Collection method: clinical testing. Allele origin: germline. Affected: yes.
Comment: Not observed in large population cohorts (Lek et al., 2016); In silico analysis, which includes protein predictors and evolutionary conservation, supports a deleterious effect; Has not been previously published as pathogenic or benign to our knowledge